The following is an entry in ClinVar:

NM_000245.4(MET):c.2914G>A (p.Asp972Asn)

Gene: MET (MET proto-oncogene, receptor tyrosine kinase; plus strand). Cytogenetic location: 7q31.2.
Variant type: single nucleotide variant.
Coding change: c.2914G>A on transcript NM_000245.4 (MANE Select); coding-DNA position 2914, G replaced by A.
Protein change: p.Asp972Asn; replaces aspartic acid 972 with asparagine.
Molecular consequence: missense variant.
Genome position (GRCh38, 1-based): chr7:116,771,875, G>A. VCF-style: chr7-116771875-G-A. GRCh37 (hg19) VCF-style: chr7-116411929-G-A.
Other names: c.2968G>A (LRG_662t1); c.2968G>A, p.Asp990Asn (NM_001127500.3); c.1624G>A, p.Asp542Asn (NM_001324402.2); short protein forms D990N, D542N, D972N.
Identifiers: ClinVar variation 653224 (VCV000653224.11), dbSNP rs756031094, ClinGen allele CA4448616.

ClinVar aggregate classification (germline): Uncertain significance. Review status: criteria provided, multiple submitters, no conflicts (2 of 4 stars). 4 submissions from 4 submitters: Uncertain significance (4). Last evaluated 2026-06-02.

Conditions:
MET-related disorder. Also called: MET-related condition.
Papillary renal cell carcinoma type 1 (RCCP1). Also called: Renal adenocarcinoma; Renal cell carcinoma 1; Renal cell carcinoma, somatic; RENAL CELL CARCINOMA, PAPILLARY, 1, SOMATIC. Identifiers: Orphanet 47044, MedGen C1336839, OMIM 605074, HP:0011797.
Renal cell carcinoma. Identifiers: Orphanet 217071, MedGen C0007134, MeSH D002292, MONDO:0005086, HP:0005584.
Hereditary cancer-predisposing syndrome. Also called: Neoplastic Syndromes, Hereditary; Tumor predisposition; Hereditary neoplastic syndrome; Hereditary Cancer Syndrome. Identifiers: Orphanet 140162, MedGen C0027672, MeSH D009386, MONDO:0015356.

Allele frequency attached by ClinVar (database versions not stated): gnomAD exomes 0.00001; ExAC 0.00002.
gnomAD v4.1: 15 of 1,613,764 alleles (0.00093%); highest among the groups gnomAD compares: African/African-American, 0.0013%; no homozygotes.

Submissions (4):

PreventionGenetics, part of Exact Sciences
Classification: Uncertain significance for MET-related condition. Last evaluated: 2026-06-02. Review status: criteria provided, single submitter. Criteria: ACMG Guidelines, 2015. Collection method: clinical testing. Allele origin: germline.
Comment: The MET c.2968G>A variant is predicted to result in the amino acid substitution p.Asp990Asn. To our knowledge, this variant has not been reported in the literature. This variant is reported in 0.0056% of alleles in individuals of East Asian descent in gnomAD and is classified as uncertain in ClinVar (Variation ID: 653224). At this time, the clinical significance of this variant is uncertain due to the absence of conclusive functional and genetic evidence.

Labcorp Genetics (formerly Invitae), Labcorp
Classification: Uncertain significance for Renal cell carcinoma. Last evaluated: 2026-01-13. Review status: criteria provided, single submitter. Criteria: Invitae Variant Classification Sherloc (09022015). Collection method: clinical testing. Allele origin: germline.
Comment: This sequence change replaces aspartic acid, which is acidic and polar, with asparagine, which is neutral and polar, at codon 990 of the MET protein (p.Asp990Asn). This variant is present in population databases (rs756031094, gnomAD 0.006%). This variant has not been reported in the literature in individuals affected with MET-related conditions. ClinVar contains an entry for this variant (Variation ID: 653224). An algorithm developed to predict the effect of missense changes on protein structure and function (PolyPhen-2) suggests that this variant is likely to be disruptive. In summary, the available evidence is currently insufficient to determine the role of this variant in disease. Therefore, it has been classified as a Variant of Uncertain Significance.

Ambry Genetics
Classification: Uncertain significance for Hereditary cancer-predisposing syndrome. Last evaluated: 2023-11-02. Review status: criteria provided, single submitter. Criteria: Ambry Variant Classification Scheme 2023. Collection method: clinical testing. Allele origin: germline.
Comment: The p.D990N variant (also known as c.2968G>A), located in coding exon 13 of the MET gene, results from a G to A substitution at nucleotide position 2968. The aspartic acid at codon 990 is replaced by asparagine, an amino acid with highly similar properties. This amino acid position is highly conserved in available vertebrate species. In addition, this alteration is predicted to be tolerated by in silico analysis. Since supporting evidence is limited at this time, the clinical significance of this alteration remains unclear.

St. Jude Molecular Pathology, St. Jude Children's Research Hospital
Classification: Uncertain significance for Papillary renal cell carcinoma type 1. Last evaluated: 2022-08-01. Review status: criteria provided, single submitter. Criteria: St. Jude Assertion Criteria 2020. Collection method: clinical testing. Allele origin: germline.
Comment: The MET c.2968G>A (p.Asp990Asn) missense change has a maximum subpopulation frequency of 0.0056% in gnomAD v2.1.1. The in silico tool REVEL predicts a benign effect on protein function, but to our knowledge this prediction has not been confirmed by functional studies. To our knowledge, this variant has not been reported in individuals with hereditary papillary renal cell carcinoma. In summary, the evidence currently available is insufficient to determine the clinical significance of this variant. It has therefore been classified as of uncertain significance.